The following is an entry in ClinVar:

NM_198576.4(AGRN):c.3205G>A (p.Glu1069Lys)

Gene: AGRN (agrin; plus strand). Cytogenetic location: 1p36.33.
Variant type: single nucleotide variant.
Coding change: c.3205G>A on transcript NM_198576.4 (MANE Select); coding-DNA position 3205, G replaced by A.
Protein change: p.Glu1069Lys; replaces glutamic acid 1069 with lysine.
Molecular consequence: missense variant.
Genome position (GRCh38, 1-based): chr1:1,046,690, G>A. VCF-style: chr1-1046690-G-A. GRCh37 (hg19) VCF-style: chr1-982070-G-A.
Other names: c.3205G>A, p.Glu1069Lys (NM_001305275.2); c.2890G>A, p.Glu964Lys (NM_001364727.2); c.3205G>A (NM_198576.3); short protein forms E964K, E1069K.
Identifiers: ClinVar variation 2074088 (VCV002074088.2), dbSNP rs753587584, ClinGen allele CA508977.

ClinVar aggregate classification (germline): Uncertain significance. Review status: criteria provided, multiple submitters, no conflicts (2 of 4 stars). 2 submissions from 2 submitters: Uncertain significance (2). Last evaluated 2024-12-16.

Conditions:
Congenital myasthenic syndrome 8. Also called: Myasthenic syndrome, congenital, 8, with pre- and postsynaptic defects; MYASTHENIC SYNDROME, CONGENITAL, DUE TO AGRIN DEFICIENCY. Identifiers: Orphanet 590, MedGen C3808739, MONDO:0014052, OMIM 615120.
Inborn genetic diseases. Identifiers: MedGen C0950123, MeSH D030342.

Allele frequency attached by ClinVar (database versions not stated): ExAC 0.00001; gnomAD 0.00001; TOPMed 0.00001; gnomAD exomes 0.00007.
gnomAD v4.1: 105 of 1,585,746 alleles (0.0066%); highest among the groups gnomAD compares: Non-Finnish European, 0.0087%; no homozygotes.

Submissions (2):

Ambry Genetics
Classification: Uncertain significance for Inborn genetic diseases. Last evaluated: 2024-12-16. Review status: criteria provided, single submitter. Criteria: Ambry Variant Classification Scheme 2023. Collection method: clinical testing. Allele origin: germline.

Labcorp Genetics (formerly Invitae), Labcorp
Classification: Uncertain significance for Congenital myasthenic syndrome 8. Last evaluated: 2022-06-30. Review status: criteria provided, single submitter. Criteria: Invitae Variant Classification Sherloc (09022015). Collection method: clinical testing. Allele origin: germline.
Comment: This sequence change replaces glutamic acid, which is acidic and polar, with lysine, which is basic and polar, at codon 1069 of the AGRN protein (p.Glu1069Lys). This variant is present in population databases (rs753587584, gnomAD 0.007%). This variant has not been reported in the literature in individuals affected with AGRN-related conditions. Algorithms developed to predict the effect of missense changes on protein structure and function are either unavailable or do not agree on the potential impact of this missense change (SIFT: "Deleterious"; PolyPhen-2: "Benign"; Align-GVGD: "Class C0"). In summary, the available evidence is currently insufficient to determine the role of this variant in disease. Therefore, it has been classified as a Variant of Uncertain Significance.